The following is an entry in ClinVar:

ClinVar aggregate classification (germline): Uncertain significance (1 of 4 stars; one submission).

Conditions:
Inborn genetic diseases. Identifiers: MedGen C0950123, MeSH D030342.

Submission:

Ambry Genetics
Classification: Uncertain significance for Inborn genetic diseases. Last evaluated: 2018-06-12. Review status: criteria provided, single submitter. Criteria: Ambry Variant Classification Scheme 2023. Collection method: clinical testing. Allele origin: germline.
Comment: The p.I800V variant (also known as c.2398A>G), located in coding exon 16 of the SPTAN1 gene, results from an A to G substitution at nucleotide position 2398. The isoleucine at codon 800 is replaced by valine, an amino acid with highly similar properties. This amino acid position is highly conserved in available vertebrate species. In addition, this alteration is predicted to be tolerated by in silico analysis. Since supporting evidence is limited at this time, the clinical significance of this alteration remains unclear.

NM_001130438.3(SPTAN1):c.2398A>G (p.Ile800Val)

Gene: SPTAN1 (spectrin alpha, non-erythrocytic 1; plus strand). Cytogenetic location: 9q34.11.
Variant type: single nucleotide variant.
Coding change: c.2398A>G on transcript NM_001130438.3 (MANE Select); coding-DNA position 2398, A replaced by G.
Protein change: p.Ile800Val; replaces isoleucine 800 with valine.
Molecular consequence: missense variant.
Genome position (GRCh38, 1-based): chr9:128,584,486, A>G. VCF-style: chr9-128584486-A-G. GRCh37 (hg19) VCF-style: chr9-131346765-A-G.
Other names: c.2398A>G, p.Ile800Val (NM_001195532.2, NM_001363759.2, NM_001363765.2 and 5 more transcripts); c.2434A>G, p.Ile812Val (NM_001375312.2, NM_001375318.1); short protein forms I800V, I812V.
Identifiers: ClinVar variation 1790642 (VCV001790642.2), dbSNP rs2541202592, ClinGen allele CA375057651.
Genomic context (GRCh38, chr9:128,584,486, plus strand): 5'-CTGGCCGATTCTCTGCGGTTGCAGCAGCTCTTCCGGGATGTTGAGGATGAGGAGACGTGG[A>G]TTCGAGAGAAAGAGCCCATTGCCGCATCTACCAACAGAGGTCAGTCTGCTTCCCTCAGGT-3'
Protein context (NP_001123910.1, residues 790-810): FRDVEDEETW[Ile800Val]REKEPIAAST